The following is an entry in ClinVar:

NM_003824.4(FADD):c.385A>G (p.Ile129Val)

Gene: FADD (Fas associated via death domain; plus strand). Cytogenetic location: 11q13.3.
Variant type: single nucleotide variant.
Coding change: c.385A>G on transcript NM_003824.4 (MANE Select); coding-DNA position 385, A replaced by G.
Protein change: p.Ile129Val; replaces isoleucine 129 with valine.
Molecular consequence: missense variant.
Genome position (GRCh38, 1-based): chr11:70,206,231, A>G. VCF-style: chr11-70206231-A-G. GRCh37 (hg19) VCF-style: chr11-70052337-A-G.
Other names: short protein forms I129V.
Identifiers: ClinVar variation 1502513 (VCV001502513.5), dbSNP rs750867105, ClinGen allele CA6158475.
Genomic context (GRCh38, chr11:70,206,231, plus strand): 5'-GGGAAAGATTGGAGAAGGCTGGCTCGTCAGCTCAAAGTCTCAGACACCAAGATCGACAGC[A>G]TCGAGGACAGATACCCCCGCAACCTGACAGAGCGTGTGCGGGAGTCACTGAGAATCTGGA-3'
Protein context (NP_003815.1, residues 119-139): LKVSDTKIDS[Ile129Val]EDRYPRNLTE

ClinVar aggregate classification (germline): Uncertain significance (1 of 4 stars; one submission).

Conditions:
FADD-related immunodeficiency. Also called: FADD DEFICIENCY; Infections, recurrent, with encephalopathy, hepatic dysfunction, and cardiovascular malformations. Identifiers: Orphanet 306550, MedGen C3151062, MONDO:0013408, OMIM 613759.

Allele frequency attached by ClinVar (database versions not stated): gnomAD exomes below 0.00001 and 0.00001; ExAC 0.00001; gnomAD 0.00001.

Submission:

Labcorp Genetics (formerly Invitae), Labcorp
Classification: Uncertain significance for FADD-related immunodeficiency. Last evaluated: 2022-03-19. Review status: criteria provided, single submitter. Criteria: Invitae Variant Classification Sherloc (09022015). Collection method: clinical testing. Allele origin: germline.
Comment: Algorithms developed to predict the effect of missense changes on protein structure and function (SIFT, PolyPhen-2, Align-GVGD) all suggest that this variant is likely to be disruptive. In summary, the available evidence is currently insufficient to determine the role of this variant in disease. Therefore, it has been classified as a Variant of Uncertain Significance. This variant has not been reported in the literature in individuals affected with FADD-related conditions. This sequence change replaces isoleucine, which is neutral and non-polar, with valine, which is neutral and non-polar, at codon 129 of the FADD protein (p.Ile129Val). This variant is present in population databases (rs750867105, gnomAD 0.002%).